The following is an entry in ClinVar:

ClinVar aggregate classification (germline): Likely benign (1 of 4 stars; one submission).

Allele frequency attached by ClinVar (database versions not stated): gnomAD 0.00001; gnomAD exomes 0.00001; TOPMed 0.00001.

Submission:

CeGaT Center for Human Genetics Tuebingen
Classification: Likely benign. Last evaluated: 2024-02-01. Review status: criteria provided, single submitter. Criteria: CeGaT Center For Human Genetics Tuebingen Variant Classification Criteria Version 2. Collection method: clinical testing. Allele origin: germline. Affected: yes. Observed: 1 variant allele.
Comment: FOXC1: BP4, BP7

NM_001453.3(FOXC1):c.1095C>T (p.Cys365=)

Gene: FOXC1 (forkhead box C1; plus strand). Cytogenetic location: 6p25.3.
Variant type: single nucleotide variant.
Coding change: c.1095C>T on transcript NM_001453.3 (MANE Select); coding-DNA position 1095, C replaced by T.
Protein change: p.Cys365=; no amino-acid change (cysteine 365 retained).
Molecular consequence: synonymous variant.
Genome position (GRCh38, 1-based): chr6:1,611,540, C>T. VCF-style: chr6-1611540-C-T. GRCh37 (hg19) VCF-style: chr6-1611775-C-T.
Identifiers: ClinVar variation 3025992 (VCV003025992.22), dbSNP rs1310567407, ClinGen allele CA448393952.